The following is an entry in ClinVar:

ClinVar aggregate classification (germline): Likely benign. Review status: criteria provided, multiple submitters, no conflicts (2 of 4 stars). 2 submissions from 2 submitters: Likely benign (2). Last evaluated 2026-05-01.

Allele frequency attached by ClinVar (database versions not stated): gnomAD 0.00001; gnomAD exomes 0.00003; ExAC 0.00005; ESP Exome Variant Server 0.00008.
gnomAD v4.1: 52 of 1,614,076 alleles (0.0032%); highest among the groups gnomAD compares: Non-Finnish European, 0.0041%; 3 homozygotes.

Submissions (2):

CeGaT Center for Human Genetics Tuebingen
Classification: Likely benign. Last evaluated: 2026-05-01. Review status: criteria provided, single submitter. Criteria: CeGaT Center For Human Genetics Tuebingen Variant Classification Criteria Version 2. Collection method: clinical testing. Allele origin: germline. Affected: yes. Observed: 3 variant alleles.
Comment: WDFY3: BP4, BP7

Blueprint Genetics
Classification: Likely benign. Last evaluated: 2024-10-21. Review status: criteria provided, single submitter. Criteria: ACMG Guidelines, 2015. Collection method: clinical testing. Allele origin: germline.

NM_014991.6(WDFY3):c.9306G>A (p.Val3102=)

Gene: WDFY3 (WD repeat and FYVE domain containing 3; minus strand). Cytogenetic location: 4q21.23.
Variant type: single nucleotide variant.
Coding change: c.9306G>A on transcript NM_014991.6 (MANE Select); coding-DNA position 9306, G replaced by A.
Protein change: p.Val3102=; no amino-acid change (valine 3102 retained).
Molecular consequence: synonymous variant.
Genome position (GRCh38, 1-based): chr4:84,690,563, C>T on the plus strand (G>A on the coding strand, the complement: WDFY3 is on the minus strand). VCF-style: chr4-84690563-C-T. GRCh37 (hg19) VCF-style: chr4-85611716-C-T.
Identifiers: ClinVar variation 2654860 (VCV002654860.25), dbSNP rs145069657, ClinGen allele CA2992207.